The following is an entry in ClinVar:

NM_001356.5(DDX3X):c.69T>C (p.Ser23=)

Gene: DDX3X (DEAD-box helicase 3 X-linked; plus strand). Cytogenetic location: Xp11.4.
Variant type: single nucleotide variant.
Coding change: c.69T>C on transcript NM_001356.5 (MANE Select); coding-DNA position 69, T replaced by C.
Protein change: p.Ser23=; no amino-acid change (serine 23 retained).
Molecular consequence: synonymous variant. On other transcripts: 5 prime UTR variant (1), non-coding transcript variant (2).
Genome position (GRCh38, 1-based): chrX:41,337,431, T>C. VCF-style: chrX-41337431-T-C. GRCh37 (hg19) VCF-style: chrX-41196684-T-C.
Other names: c.69T>C, p.Ser23= (NM_001193416.3, NM_001193417.3); c.-1835T>C (NM_001363819.1).
Identifiers: ClinVar variation 2660339 (VCV002660339.24), dbSNP rs759092210, ClinGen allele CA515966273.

ClinVar aggregate classification (germline): Likely benign (1 of 4 stars; one submission).

Submission:

CeGaT Center for Human Genetics Tuebingen
Classification: Likely benign. Last evaluated: 2022-09-01. Review status: criteria provided, single submitter. Criteria: CeGaT Center For Human Genetics Tuebingen Variant Classification Criteria Version 2. Collection method: clinical testing. Allele origin: germline. Affected: yes. Observed: 1 variant allele.
Comment: DDX3X: PM2:Supporting, BP4, BP7